The following is an entry in ClinVar:

ClinVar aggregate classification (germline): Pathogenic. Review status: criteria provided, multiple submitters, no conflicts (2 of 4 stars). 2 submissions from 2 submitters: Pathogenic (2). Last evaluated 2023-11-23.

Conditions:
SATB2-related disorder. Also called: SATB2-related condition.
Chromosome 2q32-q33 deletion syndrome (GLASS). Also called: Glass syndrome; 2q33.1 deletion syndrome. Identifiers: Orphanet 251019, MedGen C2676739, MONDO:0012864, OMIM 612313.

Submissions (2):

Blueprint Genetics
Classification: Pathogenic for SATB2-related disorders. Last evaluated: 2023-11-23. Review status: criteria provided, single submitter. Criteria: ACMG Guidelines, 2015. Collection method: clinical testing. Allele origin: de novo. Affected: yes. Observed: 1 variant allele.

Baylor Genetics
Classification: Pathogenic for Chromosome 2q32-q33 deletion syndrome. Last evaluated: 2018-02-01. Review status: criteria provided, single submitter. Criteria: ACMG Guidelines, 2015. Collection method: clinical testing. Allele origin: de novo. Affected: yes.
Comment: This variant was determined to be pathogenic according to ACMG Guidelines, 2015 [PMID:25741868].

NM_001172509.2(SATB2):c.1135C>T (p.Gln379Ter)

Gene: SATB2 (SATB homeobox 2; minus strand). Cytogenetic location: 2q33.1.
Variant type: single nucleotide variant.
Coding change: c.1135C>T on transcript NM_001172509.2 (MANE Select); coding-DNA position 1135, C replaced by T.
Protein change: p.Gln379Ter; replaces glutamine 379 with a stop codon.
Molecular consequence: nonsense.
Genome position (GRCh38, 1-based): chr2:199,348,739, G>A on the plus strand (C>T on the coding strand, the complement: SATB2 is on the minus strand). VCF-style: chr2-199348739-G-A. GRCh37 (hg19) VCF-style: chr2-200213462-G-A.
Other names: c.1135C>T, p.Gln379Ter (NM_001172517.1, NM_015265.4); short protein forms Q379*.
Identifiers: ClinVar variation 1032667 (VCV001032667.2), dbSNP rs1688726794, ClinGen allele CA350387107.